The following is an entry in ClinVar:

NM_000426.4(LAMA2):c.2521G>T (p.Gly841Ter)

Gene: LAMA2 (laminin subunit alpha 2; plus strand). Cytogenetic location: 6q22.33.
Variant type: single nucleotide variant.
Coding change: c.2521G>T on transcript NM_000426.4 (MANE Select); coding-DNA position 2521, G replaced by T.
Protein change: p.Gly841Ter; replaces glycine 841 with a stop codon.
Molecular consequence: nonsense.
Genome position (GRCh38, 1-based): chr6:129,280,131, G>T. VCF-style: chr6-129280131-G-T. GRCh37 (hg19) VCF-style: chr6-129601276-G-T.
Other names: c.2521G>T, p.Gly841Ter (NM_001079823.2); short protein forms G841*.
Identifiers: ClinVar variation 1725954 (VCV001725954.3), dbSNP rs2482252172, ClinGen allele CA365609418.

ClinVar aggregate classification (germline): Likely pathogenic (1 of 4 stars; one submission).

Conditions:
LAMA2-related muscular dystrophy (LAMA2-RD). Also called: Laminin alpha 2-related dystrophy. Identifiers: MedGen C5679788, MONDO:0100228.

Submission:

Myriad Genetics, Inc.
Classification: Likely pathogenic for LAMA2-related muscular dystrophy. Last evaluated: 2022-04-23. Review status: criteria provided, single submitter. Criteria: Myriad Autosomal Dominant, Autosomal Recessive and X-Linked Classification Criteria (2023). Collection method: clinical testing. Allele origin: unknown.
Comment: NM_000426.3(LAMA2):c.2521G>T(G841*) is expected to be pathogenic in the context of muscular dystrophy, LAMA2-related. This variant is predicted to lead to an abnormal or absent protein product due to the creation of a premature termination codon in LAMA2, a gene where loss-of-function variants are known to be pathogenic. Please note: this variant was assessed in the context of healthy population screening.